The following is an entry in ClinVar:

NM_030632.3(ASXL3):c.3834T>C (p.Asn1278=)

Gene: ASXL3 (ASXL transcriptional regulator 3; plus strand). Cytogenetic location: 18q12.1.
Variant type: single nucleotide variant.
Coding change: c.3834T>C on transcript NM_030632.3 (MANE Select); coding-DNA position 3834, T replaced by C.
Protein change: p.Asn1278=; no amino-acid change (asparagine 1278 retained).
Molecular consequence: synonymous variant.
Genome position (GRCh38, 1-based): chr18:33,743,682, T>C. VCF-style: chr18-33743682-T-C. GRCh37 (hg19) VCF-style: chr18-31323646-T-C.
Identifiers: ClinVar variation 3239377 (VCV003239377.19), dbSNP rs2067709081.

ClinVar aggregate classification (germline): Likely benign (1 of 4 stars; one submission).

Allele frequency attached by ClinVar (database versions not stated): gnomAD exomes below 0.00001.

Submission:

CeGaT Center for Human Genetics Tuebingen
Classification: Likely benign. Last evaluated: 2024-05-01. Review status: criteria provided, single submitter. Criteria: CeGaT Center For Human Genetics Tuebingen Variant Classification Criteria Version 2. Collection method: clinical testing. Allele origin: germline. Affected: yes. Observed: 1 variant allele.
Comment: ASXL3: PM2:Supporting, BP4, BP7